The following is an entry in ClinVar:

NC_000023.10:g.(?_41428901)_(41429019_?)del

Gene: CASK (calcium/calmodulin dependent serine protein kinase; minus strand). Cytogenetic location: Xp11.4.
Variant type: Deletion.
Identifiers: ClinVar variation 2424724 (VCV002424724.3).

ClinVar aggregate classification (germline): Pathogenic (1 of 4 stars; one submission).

Conditions:
Intellectual disability, CASK-related, X-linked. Identifiers: MedGen CN043158.

Submission:

Labcorp Genetics (formerly Invitae), Labcorp
Classification: Pathogenic for Intellectual disability, CASK-related, X-linked. Last evaluated: 2022-08-12. Review status: criteria provided, single submitter. Criteria: Invitae Variant Classification Sherloc (09022015). Collection method: clinical testing. Allele origin: germline.
Comment: For these reasons, this variant has been classified as Pathogenic. This variant has not been reported in the literature in individuals affected with CASK-related conditions. This variant is a gross deletion of the genomic region encompassing exon(s) 16 of the CASK gene. This deletion is out-of-frame, and is expected to create a premature termination codon and result in an absent or disrupted protein product. Loss-of-function variants in CASK are known to be pathogenic (PMID: 19165920, 20029458, 21954287, 22452838, 22709267).

Literature cited by the submitters: PubMed 19165920; PubMed 20029458; PubMed 21954287; PubMed 22452838; PubMed 22709267.